The following is an entry in ClinVar:

NM_001793.6(CDH3):c.1019A>T (p.Asn340Ile)

Gene: CDH3 (cadherin 3; plus strand). Cytogenetic location: 16q22.1.
Variant type: single nucleotide variant.
Coding change: c.1019A>T on transcript NM_001793.6 (MANE Select); coding-DNA position 1019, A replaced by T.
Protein change: p.Asn340Ile; replaces asparagine 340 with isoleucine.
Molecular consequence: missense variant.
Genome position (GRCh38, 1-based): chr16:68,682,324, A>T. VCF-style: chr16-68682324-A-T. GRCh37 (hg19) VCF-style: chr16-68716227-A-T.
Other names: c.1019A>T, p.Asn340Ile (NM_001317195.3); c.854A>T, p.Asn285Ile (NM_001317196.2); short protein forms N340I, N285I.
Identifiers: ClinVar variation 1938014 (VCV001938014.3), dbSNP rs779798560, ClinGen allele CA8129233.

ClinVar aggregate classification (germline): Uncertain significance (1 of 4 stars; one submission).

Allele frequency attached by ClinVar (database versions not stated): gnomAD exomes below 0.00001; ExAC 0.00001; TOPMed 0.00002; gnomAD 0.00003.
gnomAD v4.1: 7 of 1,613,842 alleles (0.00043%); highest among the groups gnomAD compares: African/African-American, 0.0093%; no homozygotes.

Submission:

Labcorp Genetics (formerly Invitae), Labcorp
Classification: Uncertain significance. Last evaluated: 2022-06-18. Review status: criteria provided, single submitter. Criteria: Invitae Variant Classification Sherloc (09022015). Collection method: clinical testing. Allele origin: germline.
Comment: This variant is present in population databases (rs779798560, gnomAD 0.008%). This sequence change replaces asparagine, which is neutral and polar, with isoleucine, which is neutral and non-polar, at codon 340 of the CDH3 protein (p.Asn340Ile). This variant has not been reported in the literature in individuals affected with CDH3-related conditions. In summary, the available evidence is currently insufficient to determine the role of this variant in disease. Therefore, it has been classified as a Variant of Uncertain Significance. Algorithms developed to predict the effect of missense changes on protein structure and function are either unavailable or do not agree on the potential impact of this missense change (SIFT: "Not Available"; PolyPhen-2: "Probably Damaging"; Align-GVGD: "Not Available").